The following is an entry in ClinVar:

NM_000038.6(APC):c.4512C>G (p.Ser1504=)

Gene: APC (APC regulator of Wnt signaling pathway; plus strand). Cytogenetic location: 5q22.2.
Variant type: single nucleotide variant.
Coding change: c.4512C>G on transcript NM_000038.6 (MANE Select); coding-DNA position 4512, C replaced by G.
Protein change: p.Ser1504=; no amino-acid change (serine 1504 retained).
Molecular consequence: synonymous variant.
Genome position (GRCh38, 1-based): chr5:112,840,106, C>G. VCF-style: chr5-112840106-C-G. GRCh37 (hg19) VCF-style: chr5-112175803-C-G.
Other names: c.4239C>G, p.Ser1413= (NM_001354902.2); c.4209C>G, p.Ser1403= (NM_001354903.2); c.4032C>G, p.Ser1344= (NM_001354905.2); c.3663C>G, p.Ser1221= (NM_001354906.2); c.4134C>G, p.Ser1378= (NM_001354904.2); c.4512C>G, p.Ser1504= (NM_001127510.3, NM_001354895.2); c.4458C>G, p.Ser1486= (NM_001127511.3); c.4566C>G, p.Ser1522= (NM_001354896.2); and 5 more.
Identifiers: ClinVar variation 381895 (VCV000381895.20), dbSNP rs999881274, ClinGen allele CA16604668.

ClinVar aggregate classification (germline): Benign/Likely benign. Review status: criteria provided, multiple submitters, no conflicts (2 of 4 stars). 8 submissions from 8 submitters: Benign (1); Likely benign (7). Last evaluated 2025-06-04.

Conditions:
Hereditary cancer-predisposing syndrome. Also called: Tumor predisposition; Hereditary neoplastic syndrome; Neoplastic Syndromes, Hereditary; Hereditary Cancer Syndrome. Identifiers: Orphanet 140162, MedGen C0027672, MeSH D009386, MONDO:0015356.
Classic or attenuated familial adenomatous polyposis. Identifiers: MedGen CN372698, MONDO:0021057.
Familial adenomatous polyposis 1 (FAP1). Also called: FAMILIAL ADENOMATOUS POLYPOSIS 1, ATTENUATED; POLYPOSIS, ADENOMATOUS INTESTINAL. Identifiers: MedGen C2713442, MONDO:0021056, OMIM 175100. Disease mechanism: loss of function.

Allele frequency attached by ClinVar (database versions not stated): gnomAD exomes below 0.00001; TOPMed below 0.00001.

Submissions (8):

Labcorp Genetics (formerly Invitae), Labcorp
Classification: Likely benign for Familial adenomatous polyposis 1. Last evaluated: 2025-06-04. Review status: criteria provided, single submitter. Criteria: Invitae Variant Classification Sherloc (09022015). Collection method: clinical testing. Allele origin: germline.

Myriad Genetics, Inc.
Classification: Benign for Familial adenomatous polyposis 1. Last evaluated: 2024-03-27. Review status: criteria provided, single submitter. Criteria: Myriad Autosomal Dominant, Autosomal Recessive and X-Linked Classification Criteria (2023). Collection method: clinical testing. Allele origin: unknown.
Comment: This variant is considered benign. This variant is a silent/synonymous amino acid change and it is not expected to impact splicing.

All of Us Research Program, National Institutes of Health
Classification: Likely benign for Classic or attenuated familial adenomatous polyposis. Last evaluated: 2023-08-08. Review status: criteria provided, single submitter. Criteria: ACMG Guidelines, 2015. Collection method: clinical testing. Allele origin: germline. Inheritance: Autosomal dominant inheritance. Observed: 2 variant alleles, 2 heterozygotes.
Comment: This study involves interpretation of variants in research participants for the purpose of population health screening. Participant phenotype was not available at the time of variant classification. Additional details can be found in publication PMID: 35346344, PMCID: PMC8962531

Sema4
Classification: Likely benign for Hereditary cancer-predisposing syndrome. Last evaluated: 2021-08-27. Review status: criteria provided, single submitter. Criteria: Sema4 Curation Guidelines. Collection method: curation. Allele origin: germline.

Ambry Genetics
Classification: Likely benign for Hereditary cancer-predisposing syndrome. Last evaluated: 2020-06-26. Review status: criteria provided, single submitter. Criteria: Ambry Variant Classification Scheme 2023. Collection method: clinical testing. Allele origin: germline.

Quest Diagnostics Nichols Institute San Juan Capistrano
Classification: Likely benign. Last evaluated: 2020-06-23. Review status: criteria provided, single submitter. Criteria: Quest Diagnostics criteria. Collection method: clinical testing. Allele origin: unknown.

GeneDx
Classification: Likely benign. Last evaluated: 2018-12-28. Review status: criteria provided, single submitter. Criteria: GeneDx Variant Classification Process June 2021. Collection method: clinical testing. Allele origin: germline. Affected: yes.

Color Diagnostics, LLC DBA Color Health
Classification: Likely benign for Hereditary cancer-predisposing syndrome. Last evaluated: 2018-05-22. Review status: criteria provided, single submitter. Criteria: ACMG Guidelines, 2015. Collection method: clinical testing. Allele origin: germline.